The following is an entry in ClinVar:

NM_001005242.3(PKP2):c.*303A>G

Gene: PKP2 (plakophilin 2; minus strand). Cytogenetic location: 12p11.21.
Variant type: single nucleotide variant.
Coding change: c.*303A>G on transcript NM_001005242.3 (MANE Select); 303 bases downstream of the stop codon, A replaced by G.
Molecular consequence: 3 prime UTR variant.
Genome position (GRCh38, 1-based): chr12:32,792,121, T>C on the plus strand (A>G on the coding strand, the complement: PKP2 is on the minus strand). VCF-style: chr12-32792121-T-C. GRCh37 (hg19) VCF-style: chr12-32945055-T-C.
Other names: c.*303A>G (NM_004572.4).
Identifiers: ClinVar variation 882161 (VCV000882161.4), dbSNP rs148693924, ClinGen allele CA15745296.

ClinVar aggregate classification (germline): Likely benign (1 of 4 stars; one submission).

Conditions:
Arrhythmogenic right ventricular dysplasia 9 (ARVD9). Also called: Arrhythmogenic Right Ventricular Dysplasia/Cardiomyopathy 9; ARRHYTHMOGENIC RIGHT VENTRICULAR DYSPLASIA, FAMILIAL, 9. Identifiers: MedGen C1836906, MONDO:0012180, OMIM 609040.

Allele frequency attached by ClinVar (database versions not stated): gnomAD 0.00011 and 0.00017; TOPMed 0.00033; gnomAD exomes 0.00051; 1000 Genomes Project 0.00060; 1000 Genomes Project 30x 0.00109.
gnomAD v4.1: 157 of 420,004 alleles (0.037%); highest among the groups gnomAD compares: East Asian, 0.66%; 1 homozygote.

Submission:

Illumina Laboratory Services, Illumina
Classification: Likely benign for Arrhythmogenic right ventricular dysplasia 9. Last evaluated: 2018-01-13. Review status: criteria provided, single submitter. Criteria: ICSL Variant Classification Criteria 13 December 2019. Collection method: clinical testing. Allele origin: germline.
Comment: This variant was observed in the ICSL laboratory as part of a predisposition screen in an ostensibly healthy population. It had not been previously curated by ICSL or reported in the Human Gene Mutation Database (HGMD: prior to June 1st, 2018), and was therefore a candidate for classification through an automated scoring system. Utilizing variant allele frequency, disease prevalence and penetrance estimates, and inheritance mode, an automated score was calculated to assess if this variant is too frequent to cause the disease. Based on the score and internal cut-off values, a variant classified as likely benign is not then subjected to further curation. The score for this variant resulted in a classification of likely benign for this disease.